The following is an entry in ClinVar:

ClinVar aggregate classification (germline): Uncertain significance (1 of 4 stars; one submission).

Submission:

Labcorp Genetics (formerly Invitae), Labcorp
Classification: Uncertain significance. Last evaluated: 2023-01-01. Review status: criteria provided, single submitter. Criteria: Invitae Variant Classification Sherloc (09022015). Collection method: clinical testing. Allele origin: germline.
Comment: Advanced modeling of protein sequence and biophysical properties (such as structural, functional, and spatial information, amino acid conservation, physicochemical variation, residue mobility, and thermodynamic stability) performed at Invitae indicates that this missense variant is not expected to disrupt FZD4 protein function. This variant has not been reported in the literature in individuals affected with FZD4-related conditions. This variant is not present in population databases (gnomAD no frequency). This sequence change replaces serine, which is neutral and polar, with cysteine, which is neutral and slightly polar, at codon 188 of the FZD4 protein (p.Ser188Cys). In summary, the available evidence is currently insufficient to determine the role of this variant in disease. Therefore, it has been classified as a Variant of Uncertain Significance.

NM_012193.4(FZD4):c.563C>G (p.Ser188Cys)

Genes: FZD4 (frizzled class receptor 4; minus strand), PRSS23 (serine protease 23; plus strand). Cytogenetic location: 11q14.2.
Variant type: single nucleotide variant.
Coding change: c.563C>G on transcript NM_012193.4 (MANE Select); coding-DNA position 563, C replaced by G.
Protein change: p.Ser188Cys; replaces serine 188 with cysteine.
Molecular consequence: missense variant. On other transcripts: non-coding transcript variant (2).
Genome position (GRCh38, 1-based): chr11:86,952,193, G>C on the plus strand (C>G on the coding strand, the complement: FZD4 is on the minus strand). VCF-style: chr11-86952193-G-C. GRCh37 (hg19) VCF-style: chr11-86663235-G-C.
Other names: short protein forms S188C.
Identifiers: ClinVar variation 2825848 (VCV002825848.3), dbSNP rs2495868444, ClinGen allele CA382015596.
Genomic context (GRCh38, chr11:86,952,193, plus strand): 5'-GCATCATAGCCACACTTGAGCACACAGTTCAGGCTCCTTTTCACCCAGATGTACTGATCA[G>C]AATTGGTTCCCACAGAGTGACACTCTTCCCCAGGCTGGATGGGGGTTTTGTGAGGTAAGG-3'
Protein context (NP_036325.2, residues 178-198): GEECHSVGTN[Ser188Cys]DQYIWVKRSL